The following is an entry in ClinVar:

ClinVar aggregate classification (germline): Uncertain significance (1 of 4 stars; one submission).

Submission:

Labcorp Genetics (formerly Invitae), Labcorp
Classification: Uncertain significance. Last evaluated: 2023-07-13. Review status: criteria provided, single submitter. Criteria: Invitae Variant Classification Sherloc (09022015). Collection method: clinical testing. Allele origin: germline.
Comment: This variant is not present in population databases (gnomAD no frequency). This sequence change replaces alanine, which is neutral and non-polar, with threonine, which is neutral and polar, at codon 79 of the CTF1 protein (p.Ala79Thr). This variant has not been reported in the literature in individuals affected with CTF1-related conditions. In summary, the available evidence is currently insufficient to determine the role of this variant in disease. Therefore, it has been classified as a Variant of Uncertain Significance. An algorithm developed to predict the effect of missense changes on protein structure and function (PolyPhen-2) suggests that this variant is likely to be tolerated.

NM_001330.5(CTF1):c.235G>A (p.Ala79Thr)

Genes: CTF1 (cardiotrophin 1; plus strand), LOC130058878 (ATAC-STARR-seq lymphoblastoid silent region 7400; plus strand). Cytogenetic location: 16p11.2.
Variant type: single nucleotide variant.
Coding change: c.235G>A on transcript NM_001330.5 (MANE Select); coding-DNA position 235, G replaced by A.
Protein change: p.Ala79Thr; replaces alanine 79 with threonine.
Molecular consequence: missense variant. On other transcripts: non-coding transcript variant (1).
Genome position (GRCh38, 1-based): chr16:30,902,168, G>A. VCF-style: chr16-30902168-G-A. GRCh37 (hg19) VCF-style: chr16-30913489-G-A.
Other names: c.232G>A, p.Ala78Thr (NM_001142544.3); short protein forms A79T, A78T.
Identifiers: ClinVar variation 2720632 (VCV002720632.3), dbSNP rs2543740223, ClinGen allele CA395618533.